The following is an entry in ClinVar:

ClinVar aggregate classification (germline): Pathogenic (1 of 4 stars; one submission).

Conditions:
Neuromuscular disease caused by qualitative or quantitative defects of dystrophin. Also called: Qualitative or quantitative defects of dystrophin. Identifiers: Orphanet 207085, MedGen C5679787, MONDO:0016147.

Submission:

Women's Health and Genetics/Laboratory Corporation of America, LabCorp
Classification: Pathogenic for Neuromuscular disease caused by qualitative or quantitative defects of dystrophin. Last evaluated: 2025-04-11. Review status: criteria provided, single submitter. Criteria: LabCorp Variant Classification Summary - May 2015. Collection method: clinical testing. Allele origin: germline.
Comment: Variant summary: The variant involves the deletion of exons 50-51 in the DMD gene. A presumed nomenclature of c.(7200+1_7201-1)_(7542+1_7543-1)del has been designated for the purposes of this classification. This Copy Number Variant (CNV) is predicted to result in an in-frame deletion within this gene. The variant was absent in 16120 control chromosomes. c.(7200+1_7201-1)_(7542+1_7543-1)del has been observed in individual(s) affected with Dystrophinopathies of variable severity at time of diagnosis (example: Morandi_1995, Kaspar_2009, Helderman-vandenEnden_2010, Kong_2024). These data indicate that the variant is associated with disease. The following publications have been ascertained in the context of this evaluation (PMID: 8543940, 20031633, 20153965, 19475718, 20036901, 37822034). ClinVar contains an entry for this variant (Variation ID: 3248330). Based on the evidence outlined above, the variant was classified as pathogenic.

Literature cited by the submitters: PubMed 19475718; PubMed 8543940; PubMed 20036901; PubMed 20031633; PubMed 20153965; PubMed 37822034.

NC_000023.10:g.(31747866_31792076)_(31838201_31854834)del

Gene: DMD (dystrophin; minus strand). Cytogenetic location: Xp21.1.
Variant type: Deletion.
Identifiers: ClinVar variation 3896336 (VCV003896336.2).